The following is an entry in ClinVar:

ClinVar aggregate classification (germline): Uncertain significance (1 of 4 stars; one submission).

gnomAD v4.1: 2 of 1,613,912 alleles (0.00012%); highest among the groups gnomAD compares: Non-Finnish European, 0.00017%; no homozygotes.

Submission:

Labcorp Genetics (formerly Invitae), Labcorp
Classification: Uncertain significance. Last evaluated: 2024-10-24. Review status: criteria provided, single submitter. Criteria: Invitae Variant Classification Sherloc (09022015). Collection method: clinical testing. Allele origin: germline.
Comment: This sequence change replaces alanine, which is neutral and non-polar, with threonine, which is neutral and polar, at codon 463 of the NUP62 protein (p.Ala463Thr). This variant is present in population databases (rs760388870, gnomAD 0.0009%). This variant has not been reported in the literature in individuals affected with NUP62-related conditions. An algorithm developed to predict the effect of missense changes on protein structure and function (PolyPhen-2) suggests that this variant is likely to be tolerated. In summary, the available evidence is currently insufficient to determine the role of this variant in disease. Therefore, it has been classified as a Variant of Uncertain Significance.

NM_016553.5(NUP62):c.1387G>A (p.Ala463Thr)

Genes: IL4I1 (interleukin 4 induced 1; minus strand), NUP62 (nucleoporin 62; minus strand). Cytogenetic location: 19q13.33.
Variant type: single nucleotide variant.
Coding change: c.1387G>A on transcript NM_016553.5 (MANE Select); coding-DNA position 1387, G replaced by A.
Protein change: p.Ala463Thr; replaces alanine 463 with threonine.
Molecular consequence: missense variant. On other transcripts: intron variant (3).
Genome position (GRCh38, 1-based): chr19:49,908,421, C>T on the plus strand (G>A on the coding strand, the complement: NUP62 is on the minus strand). VCF-style: chr19-49908421-C-T. GRCh37 (hg19) VCF-style: chr19-50411678-C-T.
Other names: c.1387G>A, p.Ala463Thr (NM_001193357.2, NM_012346.5, NM_153718.4 and 1 more transcripts); c.-227-4100G>A (NM_001258017.2, NM_172374.3); c.-285-4100G>A (NM_001258018.2); short protein forms A463T.
Identifiers: ClinVar variation 2994345 (VCV002994345.3), dbSNP rs760388870, ClinGen allele CA9588900.